The following is an entry in ClinVar:

NM_000535.7(PMS2):c.580A>C (p.Ile194Leu)

Gene: PMS2 (PMS1 homolog 2, mismatch repair system component; minus strand). Cytogenetic location: 7p22.1.
Variant type: single nucleotide variant.
Coding change: c.580A>C on transcript NM_000535.7 (MANE Select); coding-DNA position 580, A replaced by C.
Protein change: p.Ile194Leu; replaces isoleucine 194 with leucine.
Molecular consequence: missense variant. On other transcripts: non-coding transcript variant (1), intron variant (9).
Genome position (GRCh38, 1-based): chr7:5,999,233, T>G on the plus strand (A>C on the coding strand, the complement: PMS2 is on the minus strand). VCF-style: chr7-5999233-T-G. GRCh37 (hg19) VCF-style: chr7-6038864-T-G.
Other names: c.175A>C, p.Ile59Leu (NM_001322003.2, NM_001322004.2, NM_001322005.2 and 21 more transcripts); c.580A>C, p.Ile194Leu (NM_001322006.2, NM_001322014.2, NM_001406869.1 and 5 more transcripts); c.262A>C, p.Ile88Leu (NM_001322007.2, NM_001322008.2, NM_001406876.1 and 4 more transcripts); c.271A>C, p.Ile91Leu (NM_001322015.2, NM_001406875.1, NM_001406877.1 and 6 more transcripts); c.766A>C, p.Ile256Leu (NM_001406866.1); c.604A>C, p.Ile202Leu (NM_001406868.1); c.132+3220A>C (NM_001406911.1); c.133-1810A>C (NM_001322013.2, NM_001406909.1); and 4 more; short protein forms I194L, I202L, I256L, I59L, I88L, I91L.
Identifiers: ClinVar variation 3387517 (VCV003387517.2).

ClinVar aggregate classification (germline): Uncertain significance. Review status: criteria provided, multiple submitters, no conflicts (2 of 4 stars). 2 submissions from 2 submitters: Uncertain significance (2). Last evaluated 2024-02-22.

Conditions:
Lynch syndrome. Identifiers: Orphanet 144, MedGen C4552100, MONDO:0005835. Disease mechanism: loss of function.

Submissions (2):

All of Us Research Program, National Institutes of Health
Classification: Uncertain significance for Lynch syndrome. Last evaluated: 2024-02-22. Review status: criteria provided, single submitter. Criteria: ACMG Guidelines, 2015. Collection method: clinical testing. Allele origin: germline. Inheritance: Autosomal dominant inheritance. Observed: 1 variant allele, 1 heterozygote.
Comment: This missense variant replaces isoleucine with leucine at codon 194 of the PMS2 protein. Computational prediction suggests that this variant may not impact protein structure and function (internally defined REVEL score threshold <= 0.5, PMID: 27666373). To our knowledge, functional studies have not been reported for this variant. This variant has not been reported in individuals affected with PMS2-related disorders in the literature. This variant has not been identified in the general population by the Genome Aggregation Database (gnomAD). The available evidence is insufficient to determine the role of this variant in disease conclusively. Therefore, this variant is classified as a Variant of Uncertain Significance.

This study involves interpretation of variants in research participants for the purpose of population health screening. Participant phenotype was not available at the time of variant classification. Additional details can be found in publication PMID: 35346344, PMCID: PMC8962531

Department of Pathology and Laboratory Medicine, Sinai Health System
Classification: Uncertain significance for Lynch syndrome. Last evaluated: 2022-07-14. Review status: criteria provided, single submitter. Criteria: ACMG Guidelines, 2015. Collection method: clinical testing. Allele origin: germline. Affected: yes.